The following is an entry in ClinVar:

NM_006031.6(PCNT):c.8133G>C (p.Glu2711Asp)

Gene: PCNT (pericentrin; plus strand). Cytogenetic location: 21q22.3.
Variant type: single nucleotide variant.
Coding change: c.8133G>C on transcript NM_006031.6 (MANE Select); coding-DNA position 8133, G replaced by C.
Protein change: p.Glu2711Asp; replaces glutamic acid 2711 with aspartic acid.
Molecular consequence: missense variant.
Genome position (GRCh38, 1-based): chr21:46,431,597, G>C. VCF-style: chr21-46431597-G-C. GRCh37 (hg19) VCF-style: chr21-47851511-G-C.
Other names: c.7779G>C, p.Glu2593Asp (NM_001315529.2); short protein forms E2593D, E2711D.
Identifiers: ClinVar variation 3349979 (VCV003349979.1).

ClinVar aggregate classification (germline): Uncertain significance (0 of 4 stars; one submission).

Conditions:
PCNT-related disorder. Also called: PCNT-related condition.

gnomAD v4.1: 1 of 1,614,078 alleles (0.000062%); highest among the groups gnomAD compares: Non-Finnish European, 0.000085%; no homozygotes.

Submission:

PreventionGenetics, part of Exact Sciences
Classification: Uncertain significance for PCNT-related condition. Last evaluated: 2024-01-03. Review status: no assertion criteria provided. Collection method: clinical testing. Allele origin: germline.
Comment: The PCNT c.8133G>C variant is predicted to result in the amino acid substitution p.Glu2711Asp. To our knowledge, this variant has not been reported in the literature or in a large population database, indicating this variant is rare. At this time, the clinical significance of this variant is uncertain due to the absence of conclusive functional and genetic evidence.